The following is an entry in ClinVar:

NM_000059.4(BRCA2):c.4483G>A (p.Val1495Ile)

Gene: BRCA2 (BRCA2 DNA repair associated; plus strand). Cytogenetic location: 13q13.1.
Variant type: single nucleotide variant.
Coding change: c.4483G>A on transcript NM_000059.4 (MANE Select); coding-DNA position 4483, G replaced by A.
Protein change: p.Val1495Ile; replaces valine 1495 with isoleucine.
Molecular consequence: missense variant.
Genome position (GRCh38, 1-based): chr13:32,338,838, G>A. VCF-style: chr13-32338838-G-A. GRCh37 (hg19) VCF-style: chr13-32912975-G-A.
Other names: p.V1495I:GTC>ATC; short protein forms V1495I.
Identifiers: ClinVar variation 51655 (VCV000051655.24), dbSNP rs80358680, ClinGen allele CA020274.

ClinVar aggregate classification (germline): Conflicting classifications of pathogenicity. Review status: criteria provided, conflicting classifications (1 of 4 stars). 8 submissions from 8 submitters: Uncertain significance (2); Likely benign (5). 1 of the submissions does not count toward it. Last evaluated 2025-11-16.

Conditions:
Hereditary breast ovarian cancer syndrome. Also called: Hereditary breast and ovarian cancer syndrome; Hereditary breast and ovarian cancer; Hereditary breast and ovarian cancer syndrome (HBOC); Breast and ovarian cancer; Hereditary breast and/or ovarian cancer syndrome; BRCA1- and BRCA2-Associated Hereditary Breast and Ovarian Cancer. Identifiers: Orphanet 145, MedGen C0677776, MeSH D061325, MONDO:0003582. Disease mechanism: loss of function.
Breast-ovarian cancer, familial, susceptibility to, 2 (BROVCA2). Also called: BRCA2 Hereditary Breast and Ovarian Cancer. Identifiers: Orphanet 145, MedGen C2675520, MONDO:0012933, OMIM 612555. Disease mechanism: loss of function.
Hereditary cancer-predisposing syndrome. Also called: Neoplastic Syndromes, Hereditary; Tumor predisposition; Hereditary Cancer Syndrome; Hereditary neoplastic syndrome. Identifiers: Orphanet 140162, MedGen C0027672, MeSH D009386, MONDO:0015356.

Allele frequency attached by ClinVar (database versions not stated): ExAC 0.00001; gnomAD exomes 0.00001; TOPMed 0.00001; gnomAD 0.00003.
gnomAD v4.1: 14 of 1,613,516 alleles (0.00087%); highest among the groups gnomAD compares: Non-Finnish European, 0.001%; no homozygotes.

Submissions (8):

Labcorp Genetics (formerly Invitae), Labcorp
Classification: Likely benign for Hereditary breast ovarian cancer syndrome. Last evaluated: 2025-11-16. Review status: criteria provided, single submitter. Criteria: Invitae Variant Classification Sherloc (09022015). Collection method: clinical testing. Allele origin: germline.

Quest Diagnostics Nichols Institute San Juan Capistrano
Classification: Uncertain significance. Last evaluated: 2024-11-14. Review status: criteria provided, single submitter. Criteria: Quest Diagnostics criteria. Collection method: clinical testing. Allele origin: unknown.
Comment: The BRCA2 c.4483G>A (p.Val1495Ile) variant has been described as being likely benign in a multifactorial likelihood study (PMID: 31131967 (2019)), and reported to be located in a region of the BRCA2 gene that is tolerant to missense sequence changes (PMID: 31911673 (2020)). To the best of our knowledge, this variant has not been reported in individuals with BRCA2-related conditions in the published literature. The frequency of this variant in the general population, 0.000008 (2/250362 chromosomes (Genome Aggregation Database)), is uninformative in the assessment of its pathogenicity. Analysis of this variant using bioinformatics tools for the prediction of the effect of amino acid changes on protein structure and function yielded predictions that this variant is benign. Based on the available information, we are unable to determine the clinical significance of this variant.

University of Washington Department of Laboratory Medicine, University of Washington
Classification: Likely benign for Hereditary cancer-predisposing syndrome. Last evaluated: 2023-03-23. Review status: criteria provided, single submitter. Criteria: Dines et al. (Genet Med. 2020). Collection method: curation. Allele origin: germline.
Comment: Missense variant in a coldspot region where missense variants are very unlikely to be pathogenic (PMID:31911673).

BRCA2 exon 11 coldspot. Reclassification based on statistical prior probability.

Sema4
Classification: Uncertain significance for Hereditary cancer-predisposing syndrome. Last evaluated: 2021-09-13. Review status: criteria provided, single submitter. Criteria: Sema4 Curation Guidelines. Collection method: curation. Allele origin: germline.
Comment: To the best of our knowledge, the BRCA2 c.4483G>A (p.V1495I) variant has not been reported in individuals with BRCA2-related disease. It was observed in 2/112970 chromosomes of the Non-Finnish European subpopulation in the large and broad cohorts of the Genome Aggregation Database (PMID: 32461654). The variant has been reported in ClinVar (Variation ID 51655). The variant is predicted to be likely benign by multifactorial likelihood quantitative analysis (PubMed: 31131967). In silico tools suggest the impact of the variant on protein function is benign though these predictions have not been confirmed by functional studies. The evidence is insufficient to meet ACMG/AMP criteria for classifying the variant as benign or pathogenic. Thus, the clinical significance of this variant is currently uncertain.

Ambry Genetics
Classification: Likely benign for Hereditary cancer-predisposing syndrome. Last evaluated: 2019-11-13. Review status: criteria provided, single submitter. Criteria: Ambry Variant Classification Scheme 2023. Collection method: clinical testing. Allele origin: germline.

GeneDx
Classification: Likely benign. Last evaluated: 2019-10-04. Review status: criteria provided, single submitter. Criteria: GeneDx Variant Classification Process June 2021. Collection method: clinical testing. Allele origin: germline. Affected: yes.
Comment: Not observed at a significant frequency in large population cohorts (Lek et al., 2016); This variant is associated with the following publications: (PMID: 31131967)

Color Diagnostics, LLC DBA Color Health
Classification: Likely benign for Hereditary cancer-predisposing syndrome. Last evaluated: 2015-08-09. Review status: criteria provided, single submitter. Criteria: ACMG Guidelines, 2015. Collection method: clinical testing. Allele origin: germline.

Breast Cancer Information Core (BIC) (BRCA2)
Classification: Uncertain significance for Breast-ovarian cancer, familial 2. Last evaluated: 2000-06-12. Review status: no assertion criteria provided. Collection method: clinical testing. Allele origin: germline. Affected: yes. Observed: 2 variant alleles. Not counted in ClinVar's aggregate classification.

Literature cited by the submitters: PubMed 31911673 (cited by Quest Diagnostics Nichols Institute San Juan Capistrano); PubMed 31131967 (cited by Quest Diagnostics Nichols Institute San Juan Capistrano and Sema4).